The following is an entry in ClinVar:

NM_001127178.3(PIGG):c.679C>G (p.Pro227Ala)

Gene: PIGG (phosphatidylinositol glycan anchor biosynthesis class G (EMM blood group); plus strand). Cytogenetic location: 4p16.3.
Variant type: single nucleotide variant.
Coding change: c.679C>G on transcript NM_001127178.3 (MANE Select); coding-DNA position 679, C replaced by G.
Protein change: p.Pro227Ala; replaces proline 227 with alanine.
Molecular consequence: missense variant. On other transcripts: 5 prime UTR variant (4), non-coding transcript variant (10), intron variant (1).
Genome position (GRCh38, 1-based): chr4:507,513, C>G. VCF-style: chr4-507513-C-G. GRCh37 (hg19) VCF-style: chr4-501302-C-G.
Other names: c.412C>G, p.Pro138Ala (NM_001289051.2, NM_001289053.2, NM_001289057.2 and 2 more transcripts); c.313C>G, p.Pro105Ala (NM_001289055.2); c.-209C>G (NM_001345988.2); c.679C>G, p.Pro227Ala (NM_001345989.2, NM_017733.5); c.-947C>G (NM_001345990.2); c.-809C>G (NM_001345991.2); c.-534C>G (NM_001345994.2); c.361-1316C>G (NM_001289052.2); short protein forms P227A, P138A, P105A.
Identifiers: ClinVar variation 864075 (VCV000864075.9), dbSNP rs140413951, ClinGen allele CA2793057.

ClinVar aggregate classification (germline): Uncertain significance (1 of 4 stars; one submission).

Conditions:
Intellectual disability, autosomal recessive 53 (NEDHSCA). Also called: NEURODEVELOPMENTAL DISORDER WITH OR WITHOUT HYPOTONIA, SEIZURES, AND CEREBELLAR ATROPHY; GLYCOSYLPHOSPHATIDYLINOSITOL BIOSYNTHESIS DEFECT 13; Mental retardation, autosomal recessive 53. Identifiers: Orphanet 488635, MedGen C4310794, MONDO:0014832, OMIM 616917.

Allele frequency attached by ClinVar (database versions not stated): gnomAD exomes 0.00002 and 0.00005; gnomAD 0.00003; TOPMed 0.00003; ESP Exome Variant Server 0.00008; ExAC 0.00009.
gnomAD v4.1: 26 of 1,614,000 alleles (0.0016%); highest among the groups gnomAD compares: Non-Finnish European, 0.0022%; no homozygotes.

Submission:

Labcorp Genetics (formerly Invitae), Labcorp
Classification: Uncertain significance for Intellectual disability, autosomal recessive 53. Last evaluated: 2025-08-11. Review status: criteria provided, single submitter. Criteria: Invitae Variant Classification Sherloc (09022015). Collection method: clinical testing. Allele origin: germline.
Comment: This sequence change replaces proline, which is neutral and non-polar, with alanine, which is neutral and non-polar, at codon 227 of the PIGG protein (p.Pro227Ala). This variant is present in population databases (rs140413951, gnomAD 0.01%). This variant has not been reported in the literature in individuals affected with PIGG-related conditions. ClinVar contains an entry for this variant (Variation ID: 864075). Invitae Evidence Modeling of protein sequence and biophysical properties (such as structural, functional, and spatial information, amino acid conservation, physicochemical variation, residue mobility, and thermodynamic stability) indicates that this missense variant is expected to disrupt PIGG protein function with a positive predictive value of 80%. In summary, the available evidence is currently insufficient to determine the role of this variant in disease. Therefore, it has been classified as a Variant of Uncertain Significance.